The following is an entry in ClinVar:

ClinVar aggregate classification (germline): Uncertain significance. Review status: criteria provided, multiple submitters, no conflicts (2 of 4 stars). 5 submissions from 5 submitters: Uncertain significance (5). Last evaluated 2026-10-15.

Conditions:
Inborn genetic diseases. Identifiers: MedGen C0950123, MeSH D030342.
Developmental and epileptic encephalopathy, 18 (DEE18). Also called: Early infantile epileptic encephalopathy 18. Identifiers: Orphanet 369894, MedGen C3809624, MONDO:0014201, OMIM 615476.

Allele frequency attached by ClinVar (database versions not stated): 1000 Genomes Project 30x 0.00031; gnomAD exomes 0.00004 and 0.00002; gnomAD 0.00006 and 0.00007; ExAC 0.00001; ESP Exome Variant Server 0.00008; TOPMed 0.00011.
gnomAD v4.1: 66 of 1,613,492 alleles (0.0041%); highest among the groups gnomAD compares: African/African-American, 0.029%; no homozygotes.

Submissions (5):

GeneDx
Classification: Uncertain significance. Last evaluated: 2026-10-15. Review status: criteria provided, single submitter. Criteria: GeneDx Variant Classification Process June 2021. Collection method: clinical testing. Allele origin: germline.
Comment: In silico analysis suggests that this missense variant does not alter protein structure/function; Has not been previously published as pathogenic or benign to our knowledge

Ambry Genetics
Classification: Uncertain significance for Inborn genetic diseases. Last evaluated: 2023-12-15. Review status: criteria provided, single submitter. Criteria: Ambry Variant Classification Scheme 2023. Collection method: clinical testing. Allele origin: germline.

Genome-Nilou Lab
Classification: Uncertain significance for Developmental and epileptic encephalopathy, 18. Last evaluated: 2023-04-11. Review status: criteria provided, single submitter. Criteria: ACMG Guidelines, 2015. Collection method: clinical testing. Allele origin: germline. Affected: no.

Labcorp Genetics (formerly Invitae), Labcorp
Classification: Uncertain significance. Last evaluated: 2022-04-10. Review status: criteria provided, single submitter. Criteria: Invitae Variant Classification Sherloc (09022015). Collection method: clinical testing. Allele origin: germline.
Comment: This sequence change replaces arginine, which is basic and polar, with histidine, which is basic and polar, at codon 2448 of the SZT2 protein (p.Arg2448His). This variant is present in population databases (rs374896394, gnomAD 0.02%). This variant has not been reported in the literature in individuals affected with SZT2-related conditions. ClinVar contains an entry for this variant (Variation ID: 1036451). Algorithms developed to predict the effect of missense changes on protein structure and function are either unavailable or do not agree on the potential impact of this missense change (SIFT: "Tolerated"; PolyPhen-2: "Probably Damaging"; Align-GVGD: "Class C0"). In summary, the available evidence is currently insufficient to determine the role of this variant in disease. Therefore, it has been classified as a Variant of Uncertain Significance.

New York Genome Center
Classification: Uncertain significance for Developmental and epileptic encephalopathy, 18. Last evaluated: 2021-07-10. Review status: criteria provided, single submitter. Criteria: NYGC Assertion Criteria 2020. Collection method: clinical testing. Allele origin: germline. Observed: 1 heterozygote. Study: CSER-NYCKidSeq.

NM_001365999.1(SZT2):c.7514G>A (p.Arg2505His)

Gene: SZT2 (SZT2 subunit of KICSTOR complex; plus strand). Cytogenetic location: 1p34.2.
Variant type: single nucleotide variant.
Coding change: c.7514G>A on transcript NM_001365999.1 (MANE Select); coding-DNA position 7514, G replaced by A.
Protein change: p.Arg2505His; replaces arginine 2505 with histidine.
Molecular consequence: missense variant.
Genome position (GRCh38, 1-based): chr1:43,441,506, G>A. VCF-style: chr1-43441506-G-A. GRCh37 (hg19) VCF-style: chr1-43907177-G-A.
Other names: c.7343G>A, p.Arg2448His (NM_015284.4); short protein forms R2505H, R2448H.
Identifiers: ClinVar variation 1036451 (VCV001036451.13), dbSNP rs374896394, ClinGen allele CA810254.
Genomic context (GRCh38, chr1:43,441,506, plus strand): 5'-TGTATAAACATACAAGTGTCATGTATGGACATGAGGCTCTTACTCCCACTGTCTTCAGGC[G>A]CCGGACAACACAGCTAGAAGAGGGTGAGGTGGGGACCCTTCATCCTGTGTTTGCCCGTGT-3'
Protein context (NP_001352928.1, residues 2495-2515): GSDSGAQRQK[Arg2505His]RTTQLEEGEV